The following is an entry in ClinVar:

NM_004035.7(ACOX1):c.1292C>T (p.Thr431Met)

Gene: ACOX1 (acyl-CoA oxidase 1; minus strand). Cytogenetic location: 17q25.1.
Variant type: single nucleotide variant.
Coding change: c.1292C>T on transcript NM_004035.7 (MANE Select); coding-DNA position 1292, C replaced by T.
Protein change: p.Thr431Met; replaces threonine 431 with methionine.
Molecular consequence: missense variant.
Genome position (GRCh38, 1-based): chr17:75,950,780, G>A on the plus strand (C>T on the coding strand, the complement: ACOX1 is on the minus strand). VCF-style: chr17-75950780-G-A. GRCh37 (hg19) VCF-style: chr17-73946861-G-A.
Other names: c.1178C>T, p.Thr393Met (NM_001185039.2); c.1292C>T, p.Thr431Met (NM_007292.6); short protein forms T431M, T393M.
Identifiers: ClinVar variation 3703121 (VCV003703121.2).

ClinVar aggregate classification (germline): Uncertain significance (1 of 4 stars; one submission).

Conditions:
Acyl-CoA oxidase deficiency. Also called: STRAIGHT-CHAIN ACYL-CoA OXIDASE DEFICIENCY; Pseudoneonatal adrenoleukodystrophy; Peroxisomal acyl-CoA oxidase deficiency. Identifiers: Orphanet 2971, MedGen C1849678, MONDO:0009919, OMIM 264470. Disease mechanism: loss of function.

gnomAD v4.1: 49 of 1,613,996 alleles (0.003%); highest among the groups gnomAD compares: African/African-American, 0.0067%; no homozygotes.

Submission:

Labcorp Genetics (formerly Invitae), Labcorp
Classification: Uncertain significance for Acyl-CoA oxidase deficiency. Last evaluated: 2024-07-22. Review status: criteria provided, single submitter. Criteria: Invitae Variant Classification Sherloc (09022015). Collection method: clinical testing. Allele origin: germline.
Comment: This sequence change replaces threonine, which is neutral and polar, with methionine, which is neutral and non-polar, at codon 431 of the ACOX1 protein (p.Thr431Met). This variant is present in population databases (rs147255787, gnomAD 0.006%). This variant has not been reported in the literature in individuals affected with ACOX1-related conditions. Advanced modeling of protein sequence and biophysical properties (such as structural, functional, and spatial information, amino acid conservation, physicochemical variation, residue mobility, and thermodynamic stability) performed at Invitae indicates that this missense variant is not expected to disrupt ACOX1 protein function with a negative predictive value of 80%. In summary, the available evidence is currently insufficient to determine the role of this variant in disease. Therefore, it has been classified as a Variant of Uncertain Significance.